The following is an entry in ClinVar:

NM_004990.4(MARS1):c.2380C>A (p.Gln794Lys)

Gene: MARS1 (methionyl-tRNA synthetase 1; plus strand). Cytogenetic location: 12q13.3.
Variant type: single nucleotide variant.
Coding change: c.2380C>A on transcript NM_004990.4 (MANE Select); coding-DNA position 2380, C replaced by A.
Protein change: p.Gln794Lys; replaces glutamine 794 with lysine.
Molecular consequence: missense variant.
Genome position (GRCh38, 1-based): chr12:57,515,325, C>A. VCF-style: chr12-57515325-C-A. GRCh37 (hg19) VCF-style: chr12-57909108-C-A.
Other names: short protein forms Q794K.
Identifiers: ClinVar variation 2948511 (VCV002948511.3), dbSNP rs1450260973, ClinGen allele CA385466819.
Genomic context (GRCh38, chr12:57,515,325, plus strand): 5'-CCACCTCCAGCCTGCAGTATCCTGCTGACAAACTTCCTGTGTACCTTACCAGCAGGACAC[C>A]AGATTGGCACAGTAGGTGGAAGAGCCAGCCTCTCTTAAAATTGATACTCTTGCCATGCAG-3'
Protein context (NP_004981.2, residues 784-804): NFLCTLPAGH[Gln794Lys]IGTVSPLFQK

ClinVar aggregate classification (germline): Uncertain significance (1 of 4 stars; one submission).

Conditions:
Severe early-onset pulmonary alveolar proteinosis due to MARS deficiency. Also called: PULMONARY ALVEOLAR PROTEINOSIS, REUNION ISLAND; Interstitial lung and liver disease. Identifiers: Orphanet 440427, MedGen C4225400, MONDO:0014206, OMIM 615486.
Charcot-Marie-Tooth disease axonal type 2U. Also called: CHARCOT-MARIE-TOOTH NEUROPATHY, TYPE 2U; CHARCOT-MARIE-TOOTH DISEASE, AXONAL, AUTOSOMAL DOMINANT, TYPE 2U. Identifiers: Orphanet 397735, MedGen C4084821, MONDO:0014566, OMIM 616280.

Allele frequency attached by ClinVar (database versions not stated): gnomAD exomes below 0.00001.
gnomAD v4.1: 2 of 1,612,744 alleles (0.00012%); highest among the groups gnomAD compares: Admixed American, 0.0033%; no homozygotes.

Submission:

Labcorp Genetics (formerly Invitae), Labcorp
Classification: Uncertain significance for Charcot-Marie-Tooth disease axonal type 2U; Severe early-onset pulmonary alveolar proteinosis due to MARS deficiency. Last evaluated: 2023-07-14. Review status: criteria provided, single submitter. Criteria: Invitae Variant Classification Sherloc (09022015). Collection method: clinical testing. Allele origin: germline.
Comment: In summary, the available evidence is currently insufficient to determine the role of this variant in disease. Therefore, it has been classified as a Variant of Uncertain Significance. An algorithm developed to predict the effect of missense changes on protein structure and function (PolyPhen-2) suggests that this variant is likely to be tolerated. This variant has not been reported in the literature in individuals affected with MARS-related conditions. The frequency data for this variant in the population databases is considered unreliable, as metrics indicate poor data quality at this position in the gnomAD database. This sequence change replaces glutamine, which is neutral and polar, with lysine, which is basic and polar, at codon 794 of the MARS protein (p.Gln794Lys).